The following is an entry in ClinVar:

NM_138927.4(SON):c.2365del (p.Ser789fs)

Gene: SON (SON DNA and RNA binding protein; plus strand). Cytogenetic location: 21q22.11.
Variant type: Deletion.
Coding change: c.2365del on transcript NM_138927.4 (MANE Select); coding-DNA position 2365, one base deleted (A; older notation c.2365delA).
Protein change: p.Ser789fs; shifts the reading frame from serine 789.
Molecular consequence: frameshift variant. On other transcripts: non-coding transcript variant (1), intron variant (1).
Genome position (GRCh38, 1-based): chr21:33,551,596, A deleted. VCF-style (leftmost placement, unchanged base first): chr21-33551595-TA-T. GRCh37 (hg19) VCF-style: chr21-34923901-TA-T.
Other names: c.2365del, p.Ser789fs (NM_001291411.2, NM_032195.3); c.244+5217del (NM_001291412.3); c.2365delA (NM_032195.2); c.2365del (NM_032195.2); short protein forms S789fs.
Identifiers: ClinVar variation 440941 (VCV000440941.4), dbSNP rs1555898531, ClinGen allele CA658653862.

ClinVar aggregate classification (germline): Pathogenic. Review status: criteria provided, single submitter (1 of 4 stars). 2 submissions from 2 submitters: Pathogenic (1). 1 of the submissions does not count toward it. Last evaluated 2023-05-25.

Conditions:
ZTTK syndrome (ZTTKS). Also called: Zhu-Tokita-Takenouchi-Kim Syndrome; ZTTK MULTIPLE CONGENITAL ANOMALIES-MENTAL RETARDATION SYNDROME. Identifiers: Orphanet 500150, MedGen C4310696, MONDO:0014936, OMIM 617140.

Submissions (2):

GeneDx
Classification: Pathogenic. Last evaluated: 2023-05-25. Review status: criteria provided, single submitter. Criteria: GeneDx Variant Classification Process June 2021. Collection method: clinical testing. Allele origin: germline. Affected: yes.
Comment: Frameshift variant predicted to result in protein truncation or nonsense mediated decay in a gene for which loss of function is a known mechanism of disease; Not observed at significant frequency in large population cohorts (gnomAD); This variant is associated with the following publications: (PMID: 31005274, 27545680, 34521999)

University of Washington Center for Mendelian Genomics, University of Washington
Classification: Likely pathogenic for ZTTK syndrome. Last evaluated: 2016-09-01. Review status: no assertion criteria provided. Collection method: research. Allele origin: unknown. Affected: yes. Observed: 1 heterozygote. Not counted in ClinVar's aggregate classification.

Literature cited by the submitters: PubMed 27545680 (cited by University of Washington Center for Mendelian Genomics, University of Washington).